The following is an entry in ClinVar:

ClinVar aggregate classification (germline): Uncertain significance. Review status: criteria provided, multiple submitters, no conflicts (2 of 4 stars). 2 submissions from 2 submitters: Uncertain significance (2). Last evaluated 2024-11-27.

Conditions:
PLXNA2-related disorder. Also called: PLXNA2-related condition.

Submissions (2):

PreventionGenetics, part of Exact Sciences
Classification: Uncertain significance for PLXNA2-related condition. Last evaluated: 2024-11-27. Review status: criteria provided, single submitter. Criteria: ACMG Guidelines, 2015. Collection method: clinical testing. Allele origin: germline.
Comment: The PLXNA2 c.1810G>A variant is predicted to result in the amino acid substitution p.Gly604Arg. To our knowledge, this variant has not been reported in the literature or in a large population database (gnomAD), indicating this variant is rare. At this time, the clinical significance of this variant is uncertain due to the absence of conclusive functional and genetic evidence.

Labcorp Genetics (formerly Invitae), Labcorp
Classification: Uncertain significance. Last evaluated: 2024-02-26. Review status: criteria provided, single submitter. Criteria: Invitae Variant Classification Sherloc (09022015). Collection method: clinical testing. Allele origin: germline.
Comment: This sequence change replaces glycine, which is neutral and non-polar, with arginine, which is basic and polar, at codon 604 of the PLXNA2 protein (p.Gly604Arg). This variant is not present in population databases (gnomAD no frequency). This variant has not been reported in the literature in individuals affected with PLXNA2-related conditions. ClinVar contains an entry for this variant (Variation ID: 2107888). Advanced modeling of protein sequence and biophysical properties (such as structural, functional, and spatial information, amino acid conservation, physicochemical variation, residue mobility, and thermodynamic stability) performed at Invitae indicates that this missense variant is expected to disrupt PLXNA2 protein function with a positive predictive value of 80%. In summary, the available evidence is currently insufficient to determine the role of this variant in disease. Therefore, it has been classified as a Variant of Uncertain Significance.

NM_025179.4(PLXNA2):c.1810G>A (p.Gly604Arg)

Gene: PLXNA2 (plexin A2; minus strand). Cytogenetic location: 1q32.2.
Variant type: single nucleotide variant.
Coding change: c.1810G>A on transcript NM_025179.4 (MANE Select); coding-DNA position 1810, G replaced by A.
Protein change: p.Gly604Arg; replaces glycine 604 with arginine.
Molecular consequence: missense variant.
Genome position (GRCh38, 1-based): chr1:208,096,805, C>T on the plus strand (G>A on the coding strand, the complement: PLXNA2 is on the minus strand). VCF-style: chr1-208096805-C-T. GRCh37 (hg19) VCF-style: chr1-208270150-C-T.
Other names: c.1810G>A (NM_025179.3); short protein forms G604R.
Identifiers: ClinVar variation 2107888 (VCV002107888.5), dbSNP rs2526720301, ClinGen allele CA344556343.